The following is an entry in ClinVar:

ClinVar aggregate classification (germline): Pathogenic (1 of 4 stars; one submission).

Conditions:
Episodic ataxia type 2 (EA2). Also called: ATAXIA, EPISODIC, WITH NYSTAGMUS; ATAXIA, FAMILIAL PAROXYSMAL; CEREBELLAR ATAXIA, PAROXYSMAL, ACETAZOLAMIDE-RESPONSIVE; CEREBELLOPATHY, HEREDITARY PAROXYSMAL; ACETAZOLAMIDE-RESPONSIVE HEREDITARY PAROXYSMAL CEREBELLAR ATAXIA; EPISODIC ATAXIA, NYSTAGMUS-ASSOCIATED. Identifiers: Orphanet 97, MedGen C1720416, MONDO:0007163, OMIM 108500.
Developmental and epileptic encephalopathy, 42 (DEE42A). Also called: Epileptic encephalopathy, early infantile, 42; DEVELOPMENTAL AND EPILEPTIC ENCEPHALOPATHY 42A; EPILEPTIC ENCEPHALOPATHY, EARLY INFANTILE, 42A. Identifiers: MedGen C4310716, MONDO:0014917, OMIM 617106.

Submission:

Labcorp Genetics (formerly Invitae), Labcorp
Classification: Pathogenic for Developmental and epileptic encephalopathy, 42; Episodic ataxia type 2. Last evaluated: 2022-08-03. Review status: criteria provided, single submitter. Criteria: Invitae Variant Classification Sherloc (09022015). Collection method: clinical testing. Allele origin: germline.
Comment: This variant has not been reported in the literature in individuals affected with CACNA1A-related conditions. For these reasons, this variant has been classified as Pathogenic. Algorithms developed to predict the effect of sequence changes on RNA splicing suggest that this variant may disrupt the consensus splice site. This variant is not present in population databases (gnomAD no frequency). This sequence change creates a premature translational stop signal (p.Val684Argfs*98) in the CACNA1A gene. It is expected to result in an absent or disrupted protein product. Loss-of-function variants in CACNA1A are known to be pathogenic (PMID: 10371528, 19486177, 25735478, 27250579).

Literature cited by the submitters: PubMed 10371528; PubMed 19486177; PubMed 25735478; PubMed 27250579.

NM_001127222.2(CACNA1A):c.2045dup (p.Val683fs)

Gene: CACNA1A (calcium voltage-gated channel subunit alpha1 A; minus strand). Cytogenetic location: 19p13.13.
Variant type: Duplication.
Coding change: c.2045dup on transcript NM_001127222.2 (MANE Select); coding-DNA position 2045, one base duplicated (G; older notation c.2045dupG).
Protein change: p.Val683fs; shifts the reading frame from valine 683.
Molecular consequence: frameshift variant.
Genome position (GRCh38, 1-based): chr19:13,303,826, C duplicated on the plus strand (G on the coding strand, the reverse complement: CACNA1A is on the minus strand); the first of 6 consecutive C bases (chr19:13,303,826-13,303,831); duplicating any one gives the same sequence. VCF-style (leftmost placement, unchanged base first): chr19-13303825-G-GC. GRCh37 (hg19) VCF-style: chr19-13414639-G-GC.
Other names: c.2048dup, p.Val684fs (NM_000068.4, NM_001127221.2, NM_001174080.2 and 1 more transcripts); short protein forms V683fs, V684fs.
Identifiers: ClinVar variation 2021246 (VCV002021246.4), dbSNP rs2512931447, ClinGen allele CA645607851.
Genomic context (GRCh38, chr19:13,303,825, plus strand): 5'-ACAGTTCCCAAAGAGCGTCAGTACAATGAAATAGATGGAGAACACCATGCCGCCCTGCAC[G>GC]CCCCCCTGAGACTTGATCCCGTCGTACATGACCTCGTTCCAGTCTTCGCCCGTCAGGATC-3'